The following is an entry in ClinVar:

ClinVar aggregate classification (germline): Uncertain significance (1 of 4 stars; one submission).

Submission:

ISCA site 4
Classification: Uncertain significance. Last evaluated: 2011-08-12. Review status: criteria provided, single submitter. Criteria: Kaminsky et al. (Genet Med. 2011). Collection method: clinical testing. Allele origin: unknown. Affected: yes. Observed: 1 variant allele.
Comment: Copy number variation identified through the course of routine clinical cytogenomic testing in postnatal populations. Clinical assertions have been curated as described in Kaminsky et al. 2011.

GRCh38/hg38 5q23.1(chr5:117766849-118700657)x1

Genes: LINC02147 (long intergenic non-protein coding RNA 2147; plus strand), LINC02148 (long intergenic non-protein coding RNA 2148; plus strand), LINC02208 (long intergenic non-protein coding RNA 2208; minus strand), LINC02215 (long intergenic non-protein coding RNA 2215; plus strand), LINC02216 (long intergenic non-protein coding RNA 2216; plus strand) and 4 more. Cytogenetic location: 5q23.1.
Variant type: copy number loss.
Change: copy number 1 (one copy instead of two) of chr5:117,766,849-118,700,657 (933.8 kb, GRCh38 coordinates, 1-based), cytogenetic band 5q23.1.
Identifiers: ClinVar variation 160974 (VCV000160974.1).